The following is an entry in ClinVar:

ClinVar aggregate classification (germline): Uncertain significance. Review status: criteria provided, multiple submitters, no conflicts (2 of 4 stars). 2 submissions from 2 submitters: Uncertain significance (2). Last evaluated 2026-01-19.

Allele frequency attached by ClinVar (database versions not stated): gnomAD 0.00001; TOPMed 0.00002; gnomAD exomes 0.00001; ExAC 0.00002.
gnomAD v4.1: 11 of 1,613,894 alleles (0.00068%); highest among the groups gnomAD compares: African/African-American, 0.004%; no homozygotes.

Submissions (2):

Labcorp Genetics (formerly Invitae), Labcorp
Classification: Uncertain significance. Last evaluated: 2026-01-19. Review status: criteria provided, single submitter. Criteria: Invitae Variant Classification Sherloc (09022015). Collection method: clinical testing. Allele origin: germline.
Comment: This sequence change replaces arginine, which is basic and polar, with cysteine, which is neutral and slightly polar, at codon 1383 of the MYH3 protein (p.Arg1383Cys). This variant is present in population databases (rs772610621, gnomAD 0.007%). This variant has not been reported in the literature in individuals affected with MYH3-related conditions. ClinVar contains an entry for this variant (Variation ID: 1921702). Invitae Evidence Modeling of protein sequence and biophysical properties (such as structural, functional, and spatial information, amino acid conservation, physicochemical variation, residue mobility, and thermodynamic stability) indicates that this missense variant is not expected to disrupt MYH3 protein function with a negative predictive value of 95%. In summary, the available evidence is currently insufficient to determine the role of this variant in disease. Therefore, it has been classified as a Variant of Uncertain Significance.

Dasa
Classification: Uncertain significance. Last evaluated: 2025-10-20. Review status: criteria provided, single submitter. Criteria: DASA Assertion Criteria. Collection method: clinical testing. Allele origin: germline.
Comment: NM_002470.4(MYH3):c.4147C>T (p.Arg1383Cys) is a missense variant that results in the substitution of arginine with cysteine. This variant is rare in population databases. Computational prediction algorithms are consistent with a deleterious effect. The currently available literature and clinical evidence are not sufficient to establish a definitive association between this variant and the reported condition. Therefore, this variant is classified as a variant of uncertain significance.

NM_002470.4(MYH3):c.4147C>T (p.Arg1383Cys)

Gene: MYH3 (myosin heavy chain 3; minus strand). Cytogenetic location: 17p13.1.
Variant type: single nucleotide variant.
Coding change: c.4147C>T on transcript NM_002470.4 (MANE Select); coding-DNA position 4147, C replaced by T.
Protein change: p.Arg1383Cys; replaces arginine 1383 with cysteine.
Molecular consequence: missense variant.
Genome position (GRCh38, 1-based): chr17:10,635,392, G>A on the plus strand (C>T on the coding strand, the complement: MYH3 is on the minus strand). VCF-style: chr17-10635392-G-A. GRCh37 (hg19) VCF-style: chr17-10538709-G-A.
Other names: short protein forms R1383C.
Identifiers: ClinVar variation 1921702 (VCV001921702.7), dbSNP rs772610621, ClinGen allele CA8392305.